The following is an entry in ClinVar:

NM_000136.3(FANCC):c.1669C>G (p.Gln557Glu)

Genes: AOPEP (aminopeptidase O (putative); plus strand), FANCC (FA complementation group C; minus strand). Cytogenetic location: 9q22.32.
Variant type: single nucleotide variant.
Coding change: c.1669C>G on transcript NM_000136.3 (MANE Select); coding-DNA position 1669, C replaced by G.
Protein change: p.Gln557Glu; replaces glutamine 557 with glutamic acid.
Molecular consequence: missense variant.
Genome position (GRCh38, 1-based): chr9:95,101,715, G>C on the plus strand (C>G on the coding strand, the complement: FANCC is on the minus strand). VCF-style: chr9-95101715-G-C. GRCh37 (hg19) VCF-style: chr9-97863997-G-C.
Other names: c.1669C>G, p.Gln557Glu (NM_001243743.2); short protein forms Q557E.
Identifiers: ClinVar variation 216286 (VCV000216286.7), dbSNP rs863224610, ClinGen allele CA336370.

ClinVar aggregate classification (germline): Uncertain significance (1 of 4 stars; one submission).

Conditions:
Fanconi anemia (FA). Also called: Fanconi's anemia. Identifiers: Orphanet 84, MedGen C0015625, MeSH D005199, MONDO:0019391.

Allele frequency attached by ClinVar (database versions not stated): gnomAD exomes below 0.00001.
gnomAD v4.1: 1 of 1,613,972 alleles (0.000062%); highest among the groups gnomAD compares: East Asian, 0.0022%; no homozygotes.

Submission:

Labcorp Genetics (formerly Invitae), Labcorp
Classification: Uncertain significance for Fanconi anemia. Last evaluated: 2015-05-12. Review status: criteria provided, single submitter. Criteria: Invitae Variant Classification Sherloc (09022015). Collection method: clinical testing. Allele origin: germline.
Comment: This variant has not been published in the literature and is not present in population databases. This sequence change replaces glutamine with glutamic acid at codon 557 of the FANCC protein (p.Gln557Glu). The glutamine residue is moderately conserved and there is a small physicochemical difference between glutamine and glutamic acid. Algorithms developed to predict the effect of missense changes on protein structure and function do not agree on the potential impact of this missense change (SIFT: "Tolerated"; PolyPhen-2: "Possibly Damaging"; Align-GVGD: "Class C0"). In summary, this is a novel missense change with uncertain impact on protein function. It has been classified as a Variant of Uncertain Significance.